The following is an entry in ClinVar:

ClinVar aggregate classification (germline): Uncertain significance (1 of 4 stars; one submission).

Conditions:
Familial cancer of breast. Also called: Hereditary breast cancer; BREAST CANCER, FAMILIAL; hereditary breast carcinoma. Identifiers: Orphanet 227535, MedGen C0346153, MONDO:0016419, OMIM 114480. Disease mechanism: loss of function.

Submission:

Labcorp Genetics (formerly Invitae), Labcorp
Classification: Uncertain significance for Familial cancer of breast. Last evaluated: 2023-07-25. Review status: criteria provided, single submitter. Criteria: Invitae Variant Classification Sherloc (09022015). Collection method: clinical testing. Allele origin: germline.
Comment: In summary, the available evidence is currently insufficient to determine the role of this variant in disease. Therefore, it has been classified as a Variant of Uncertain Significance. Advanced modeling of protein sequence and biophysical properties (such as structural, functional, and spatial information, amino acid conservation, physicochemical variation, residue mobility, and thermodynamic stability) performed at Invitae indicates that this missense variant is expected to disrupt PALB2 protein function. This variant has not been reported in the literature in individuals affected with PALB2-related conditions. This variant is not present in population databases (gnomAD no frequency). This sequence change replaces valine, which is neutral and non-polar, with leucine, which is neutral and non-polar, at codon 928 of the PALB2 protein (p.Val928Leu).

NM_024675.4(PALB2):c.2782G>C (p.Val928Leu)

Gene: PALB2 (partner and localizer of BRCA2; minus strand). Cytogenetic location: 16p12.2.
Variant type: single nucleotide variant.
Coding change: c.2782G>C on transcript NM_024675.4 (MANE Select); coding-DNA position 2782, G replaced by C.
Protein change: p.Val928Leu; replaces valine 928 with leucine.
Molecular consequence: missense variant.
Genome position (GRCh38, 1-based): chr16:23,624,061, C>G on the plus strand (G>C on the coding strand, the complement: PALB2 is on the minus strand). VCF-style: chr16-23624061-C-G. GRCh37 (hg19) VCF-style: chr16-23635382-C-G.
Other names: c.2722G>C, p.Val908Leu (NM_001407296.1); c.2710G>C, p.Val904Leu (NM_001407297.1); c.2620G>C, p.Val874Leu (NM_001407298.1, NM_001407302.1); c.2782G>C, p.Val928Leu (NM_001407299.1, NM_001407300.1, NM_001407301.1); c.1897G>C, p.Val633Leu (NM_001407304.1, NM_001407305.1, NM_001407306.1 and 4 more transcripts); c.1735G>C, p.Val579Leu (NM_001407307.1); c.994G>C, p.Val332Leu (NM_001407312.1, NM_001407313.1); c.316G>C, p.Val106Leu (NM_001407314.1); short protein forms V633L, V332L, V874L, V908L, V106L, V579L, V904L, V928L.
Identifiers: ClinVar variation 2822429 (VCV002822429.3), dbSNP rs771288520, ClinGen allele CA395145102.